The following is an entry in ClinVar:

ClinVar aggregate classification (germline): Uncertain significance. Review status: criteria provided, multiple submitters, no conflicts (2 of 4 stars). 3 submissions from 3 submitters: Uncertain significance (3). Last evaluated 2023-05-09.

Conditions:
Inborn genetic diseases. Identifiers: MedGen C0950123, MeSH D030342.
Congenital myasthenic syndrome 5. Identifiers: Orphanet 590, MedGen C1864233, MONDO:0011281, OMIM 603034.

Allele frequency attached by ClinVar (database versions not stated): TOPMed 0.00001; gnomAD 0.00003; 1000 Genomes Project 30x 0.00016; 1000 Genomes Project 0.00020.
gnomAD v4.1: 22 of 1,614,082 alleles (0.0014%); highest among the groups gnomAD compares: South Asian, 0.0077%; no homozygotes.

Submissions (3):

Ambry Genetics
Classification: Uncertain significance for Inborn genetic diseases. Last evaluated: 2023-05-09. Review status: criteria provided, single submitter. Criteria: Ambry Variant Classification Scheme 2023. Collection method: clinical testing. Allele origin: germline.

Baylor Genetics
Classification: Uncertain significance for Congenital myasthenic syndrome 5. Last evaluated: 2023-05-02. Review status: criteria provided, single submitter. Criteria: ACMG Guidelines, 2015. Collection method: clinical testing. Allele origin: unknown.

Labcorp Genetics (formerly Invitae), Labcorp
Classification: Uncertain significance for Congenital myasthenic syndrome 5. Last evaluated: 2021-11-29. Review status: criteria provided, single submitter. Criteria: Invitae Variant Classification Sherloc (09022015). Collection method: clinical testing. Allele origin: germline.
Comment: In summary, the available evidence is currently insufficient to determine the role of this variant in disease. Therefore, it has been classified as a Variant of Uncertain Significance. Algorithms developed to predict the effect of missense changes on protein structure and function are either unavailable or do not agree on the potential impact of this missense change (SIFT: "Deleterious"; PolyPhen-2: "Not Available"; Align-GVGD: "Class C15"). This variant has not been reported in the literature in individuals affected with COLQ-related conditions. This variant is present in population databases (rs200403785, gnomAD 0.01%). This sequence change replaces glycine, which is neutral and non-polar, with arginine, which is basic and polar, at codon 286 of the COLQ protein (p.Gly286Arg).

NM_005677.4(COLQ):c.856G>A (p.Gly286Arg)

Gene: COLQ (collagen like tail subunit of asymmetric acetylcholinesterase; minus strand). Cytogenetic location: 3p25.1.
Variant type: single nucleotide variant.
Coding change: c.856G>A on transcript NM_005677.4 (MANE Select); coding-DNA position 856, G replaced by A.
Protein change: p.Gly286Arg; replaces glycine 286 with arginine.
Molecular consequence: missense variant.
Genome position (GRCh38, 1-based): chr3:15,458,284, C>T on the plus strand (G>A on the coding strand, the complement: COLQ is on the minus strand). VCF-style: chr3-15458284-C-T. GRCh37 (hg19) VCF-style: chr3-15499791-C-T.
Other names: c.826G>A, p.Gly276Arg (NM_080538.2); c.754G>A, p.Gly252Arg (NM_080539.4); c.856G>A (NM_005677.3); short protein forms G252R, G286R, G276R.
Identifiers: ClinVar variation 2080522 (VCV002080522.6), dbSNP rs200403785, ClinGen allele CA2275939.